The following is an entry in ClinVar:

ClinVar aggregate classification (germline): Uncertain significance (1 of 4 stars; one submission).

Conditions:
Cardiovascular phenotype. Identifiers: MedGen CN230736.

Allele frequency attached by ClinVar (database versions not stated): gnomAD exomes below 0.00001.
gnomAD v4.1: 1 of 1,613,768 alleles (0.000062%); highest among the groups gnomAD compares: Non-Finnish European, 0.000085%; no homozygotes.

Submission:

Ambry Genetics
Classification: Uncertain significance for Cardiovascular phenotype. Last evaluated: 2023-04-17. Review status: criteria provided, single submitter. Criteria: Ambry Variant Classification Scheme 2023. Collection method: clinical testing. Allele origin: germline.
Comment: The p.S2272F variant (also known as c.6815C>T), located in coding exon 30 of the AKAP9 gene, results from a C to T substitution at nucleotide position 6815. The serine at codon 2272 is replaced by phenylalanine, an amino acid with highly dissimilar properties. This amino acid position is conserved. In addition, this alteration is predicted to be tolerated by in silico analysis. Since supporting evidence is limited at this time, the clinical significance of this alteration remains unclear.

NM_005751.5(AKAP9):c.6815C>T (p.Ser2272Phe)

Gene: AKAP9 (A-kinase anchoring protein 9; plus strand). Cytogenetic location: 7q21.2.
Variant type: single nucleotide variant.
Coding change: c.6815C>T on transcript NM_005751.5 (MANE Select); coding-DNA position 6815, C replaced by T.
Protein change: p.Ser2272Phe; replaces serine 2272 with phenylalanine.
Molecular consequence: missense variant.
Genome position (GRCh38, 1-based): chr7:92,077,745, C>T. VCF-style: chr7-92077745-C-T. GRCh37 (hg19) VCF-style: chr7-91707059-C-T.
Other names: c.1460C>T, p.Ser487Phe (NM_001379277.1); c.6791C>T, p.Ser2264Phe (NM_147185.3); short protein forms S2264F, S487F, S2272F.
Identifiers: ClinVar variation 2564469 (VCV002564469.2), dbSNP rs2535240072, ClinGen allele CA368133643.